The following is an entry in ClinVar:

NM_003002.4(SDHD):c.26C>G (p.Ala9Gly)

Genes: SDHD (succinate dehydrogenase complex subunit D; plus strand), LOC126861339 (BRD4-independent group 4 enhancer GRCh37_chr11:111957035-111958234; plus strand). Cytogenetic location: 11q23.1.
Variant type: single nucleotide variant.
Coding change: c.26C>G on transcript NM_003002.4 (MANE Select); coding-DNA position 26, C replaced by G.
Protein change: p.Ala9Gly; replaces alanine 9 with glycine.
Molecular consequence: missense variant. On other transcripts: non-coding transcript variant (1).
Genome position (GRCh38, 1-based): chr11:112,086,933, C>G. VCF-style: chr11-112086933-C-G. GRCh37 (hg19) VCF-style: chr11-111957657-C-G.
Other names: c.26C>G, p.Ala9Gly (NM_001276503.2, NM_001276504.2, NM_001276506.2); c.26C>G (NM_003002.2); short protein forms A9G.
Identifiers: ClinVar variation 639023 (VCV000639023.11), dbSNP rs1592777287, ClinGen allele CA382616683.

ClinVar aggregate classification (germline): Uncertain significance. Review status: criteria provided, multiple submitters, no conflicts (2 of 4 stars). 2 submissions from 2 submitters: Uncertain significance (2). Last evaluated 2026-03-03.

Conditions:
Carney-Stratakis syndrome. Also called: PARAGANGLIOMA AND GASTROINTESTINAL STROMAL TUMOR. Identifiers: Orphanet 97286, MedGen C1847319, MONDO:0011740, OMIM 606864.
Pheochromocytoma. Also called: MAX-Related Hereditary Paraganglioma-Pheochromocytoma Syndrome. Identifiers: Orphanet 29072, MedGen C0031511, MONDO:0008233, OMIM 171300, HP:0002666.
Paragangliomas with sensorineural hearing loss. Identifiers: MedGen C1868633.
Cowden syndrome 3 (CWS3). Identifiers: Orphanet 201, MedGen CN166604, MONDO:0014045.
Hereditary cancer-predisposing syndrome. Also called: Neoplastic Syndromes, Hereditary; Hereditary neoplastic syndrome; Tumor predisposition; Hereditary Cancer Syndrome. Identifiers: Orphanet 140162, MedGen C0027672, MeSH D009386, MONDO:0015356.

Submissions (2):

Ambry Genetics
Classification: Uncertain significance for Hereditary cancer-predisposing syndrome. Last evaluated: 2026-03-03. Review status: criteria provided, single submitter. Criteria: Ambry Variant Classification Scheme 2023. Collection method: clinical testing. Allele origin: germline.

Labcorp Genetics (formerly Invitae), Labcorp
Classification: Uncertain significance for Carney-Stratakis syndrome; Paragangliomas with sensorineural hearing loss; Pheochromocytoma; Cowden syndrome 3. Last evaluated: 2024-07-22. Review status: criteria provided, single submitter. Criteria: Invitae Variant Classification Sherloc (09022015). Collection method: clinical testing. Allele origin: germline.
Comment: This sequence change replaces alanine, which is neutral and non-polar, with glycine, which is neutral and non-polar, at codon 9 of the SDHD protein (p.Ala9Gly). This variant is not present in population databases (gnomAD no frequency). This variant has not been reported in the literature in individuals affected with SDHD-related conditions. ClinVar contains an entry for this variant (Variation ID: 639023). Advanced modeling of protein sequence and biophysical properties (such as structural, functional, and spatial information, amino acid conservation, physicochemical variation, residue mobility, and thermodynamic stability) performed at Invitae indicates that this missense variant is not expected to disrupt SDHD protein function with a negative predictive value of 95%. In summary, the available evidence is currently insufficient to determine the role of this variant in disease. Therefore, it has been classified as a Variant of Uncertain Significance.